The following is an entry in ClinVar:

NM_001163809.2(WDR81):c.1290C>T (p.Gly430=)

Gene: WDR81 (WD repeat domain 81; plus strand). Cytogenetic location: 17p13.3.
Variant type: single nucleotide variant.
Coding change: c.1290C>T on transcript NM_001163809.2 (MANE Select); coding-DNA position 1290, C replaced by T.
Protein change: p.Gly430=; no amino-acid change (glycine 430 retained).
Molecular consequence: synonymous variant. On other transcripts: intron variant (3).
Genome position (GRCh38, 1-based): chr17:1,726,249, C>T. VCF-style: chr17-1726249-C-T. GRCh37 (hg19) VCF-style: chr17-1629543-C-T.
Other names: c.-123-1741C>T (NM_152348.4); c.59-4131C>T (NM_001163673.2); c.-15+1463C>T (NM_001163811.2).
Identifiers: ClinVar variation 3040358 (VCV003040358.4), dbSNP rs747303909, ClinGen allele CA8273032.
Genomic context (GRCh38, chr17:1,726,249, plus strand): 5'-TAAGCAACTGGACTTCACGTATGAGATGACACGGCAGGCATTCGTAGCAGGCGGGGCGGG[C>T]GGCGGGGAACCCCCTCATGTTCCCCACCACATCTCAGACGTGCTCTCCGACATCACGTAC-3'
Protein context (NP_001157281.1, residues 420-440): TRQAFVAGGA[Gly430=]GGEPPHVPHH

ClinVar aggregate classification (germline): Likely benign. Review status: criteria provided, multiple submitters, no conflicts (2 of 4 stars). 3 submissions from 3 submitters: Likely benign (2). 1 of the submissions does not count toward it. Last evaluated 2025-11-24.

Conditions:
WDR81-related disorder. Also called: WDR81-related condition.

Allele frequency attached by ClinVar (database versions not stated): gnomAD exomes 0.00002.
gnomAD v4.1: 39 of 1,526,744 alleles (0.0026%); highest among the groups gnomAD compares: South Asian, 0.035%; no homozygotes.

Submissions (3):

Women's Health and Genetics/Laboratory Corporation of America, LabCorp
Classification: Likely benign. Last evaluated: 2025-11-24. Review status: criteria provided, single submitter. Criteria: LabCorp Variant Classification Summary - May 2015. Collection method: clinical testing. Allele origin: germline.

Blueprint Genetics
Classification: Likely benign. Last evaluated: 2024-10-25. Review status: criteria provided, single submitter. Criteria: ACMG Guidelines, 2015. Collection method: clinical testing. Allele origin: germline.

PreventionGenetics, part of Exact Sciences
Classification: Likely benign for WDR81-related condition. Last evaluated: 2019-09-17. Review status: no assertion criteria provided. Collection method: clinical testing. Allele origin: germline. Not counted in ClinVar's aggregate classification.
Comment: This variant is classified as likely benign based on ACMG/AMP sequence variant interpretation guidelines (Richards et al. 2015 PMID: 25741868, with internal and published modifications).